The following is an entry in ClinVar:

ClinVar aggregate classification (germline): Uncertain significance. Review status: criteria provided, multiple submitters, no conflicts (2 of 4 stars). 4 submissions from 4 submitters: Uncertain significance (2). 2 of the submissions do not count toward it. Last evaluated 2024-03-19.

Conditions:
Joubert syndrome. Also called: Familial aplasia of the vermis; JOUBERT-BOLTSHAUSER SYNDROME. Identifiers: Orphanet 475, MedGen C5979921, MONDO:0018772.
Joubert syndrome 7 (JBTS7). Identifiers: Orphanet 220497, MedGen C1969053, MONDO:0012694, OMIM 611560.
COACH syndrome 3. Identifiers: MedGen C5436841, MONDO:0030862, OMIM 619113.
Meckel syndrome, type 5 (MKS5). Identifiers: Orphanet 564, MedGen C1969052, MONDO:0012695, OMIM 611561.
Meckel-Gruber syndrome. Also called: Dysencephalia splachnocystica; DYSENCEPHALIA SPLANCHNOCYSTICA; GRUBER SYNDROME. Identifiers: Orphanet 564, MedGen C0265215, MONDO:0018921.
RPGRIP1L-related disorder. Also called: RPGRIP1L-related condition; RPGRIP1L-related disorders. Identifiers: MedGen CN239416.

Allele frequency attached by ClinVar (database versions not stated): TOPMed below 0.00001; ExAC 0.00002; gnomAD exomes 0.00001.
gnomAD v4.1: 9 of 1,613,624 alleles (0.00056%); highest among the groups gnomAD compares: Admixed American, 0.005%; no homozygotes.

Submissions (4):

Fulgent Genetics
Classification: Uncertain significance for Joubert syndrome 7; Meckel syndrome, type 5; COACH syndrome 3. Last evaluated: 2024-03-19. Review status: criteria provided, single submitter. Criteria: ACMG Guidelines, 2015. Collection method: clinical testing. Allele origin: germline.

Labcorp Genetics (formerly Invitae), Labcorp
Classification: Uncertain significance for Joubert syndrome; Meckel-Gruber syndrome. Last evaluated: 2022-09-01. Review status: criteria provided, single submitter. Criteria: Invitae Variant Classification Sherloc (09022015). Collection method: clinical testing. Allele origin: germline.
Comment: This sequence change replaces alanine, which is neutral and non-polar, with threonine, which is neutral and polar, at codon 79 of the RPGRIP1L protein (p.Ala79Thr). This variant is present in population databases (rs763182141, gnomAD 0.01%). This variant has not been reported in the literature in individuals affected with RPGRIP1L-related conditions. ClinVar contains an entry for this variant (Variation ID: 933793). Algorithms developed to predict the effect of missense changes on protein structure and function are either unavailable or do not agree on the potential impact of this missense change (SIFT: "Tolerated"; PolyPhen-2: "Probably Damaging"; Align-GVGD: "Class C0"). In summary, the available evidence is currently insufficient to determine the role of this variant in disease. Therefore, it has been classified as a Variant of Uncertain Significance.

PreventionGenetics, part of Exact Sciences
Classification: Uncertain significance for RPGRIP1L-related condition. Last evaluated: 2024-04-29. Review status: no assertion criteria provided. Collection method: clinical testing. Allele origin: germline. Not counted in ClinVar's aggregate classification.
Comment: The RPGRIP1L c.235G>A variant is predicted to result in the amino acid substitution p.Ala79Thr. To our knowledge, this variant has not been reported in the literature. This variant is reported in 0.0087% of alleles in individuals of Latino descent in gnomAD. At this time, the clinical significance of this variant is uncertain due to the absence of conclusive functional and genetic evidence.

Natera, Inc.
Classification: Uncertain significance for Joubert syndrome. Last evaluated: 2021-07-13. Review status: no assertion criteria provided. Collection method: clinical testing. Allele origin: germline. Not counted in ClinVar's aggregate classification.

NM_015272.5(RPGRIP1L):c.235G>A (p.Ala79Thr)

Gene: RPGRIP1L (RPGRIP1 like; minus strand). Cytogenetic location: 16q12.2.
Variant type: single nucleotide variant.
Coding change: c.235G>A on transcript NM_015272.5 (MANE Select); coding-DNA position 235, G replaced by A.
Protein change: p.Ala79Thr; replaces alanine 79 with threonine.
Molecular consequence: missense variant.
Genome position (GRCh38, 1-based): chr16:53,692,360, C>T on the plus strand (G>A on the coding strand, the complement: RPGRIP1L is on the minus strand). VCF-style: chr16-53692360-C-T. GRCh37 (hg19) VCF-style: chr16-53726272-C-T.
Other names: c.235G>A (NM_015272.4); c.235G>A, p.Ala79Thr (NM_001127897.4, NM_001308334.3, NM_001330538.2); short protein forms A79T.
Identifiers: ClinVar variation 933793 (VCV000933793.10), dbSNP rs763182141, ClinGen allele CA8058162.